The following is an entry in ClinVar:

NM_006421.5(ARFGEF1):c.3865C>G (p.Gln1289Glu)

Gene: ARFGEF1 (ARF guanine nucleotide exchange factor 1; minus strand). Cytogenetic location: 8q13.2.
Variant type: single nucleotide variant.
Coding change: c.3865C>G on transcript NM_006421.5 (MANE Select); coding-DNA position 3865, C replaced by G.
Protein change: p.Gln1289Glu; replaces glutamine 1289 with glutamic acid.
Molecular consequence: missense variant. On other transcripts: non-coding transcript variant (1).
Genome position (GRCh38, 1-based): chr8:67,227,188, G>C on the plus strand (C>G on the coding strand, the complement: ARFGEF1 is on the minus strand). VCF-style: chr8-67227188-G-C. GRCh37 (hg19) VCF-style: chr8-68139423-G-C.
Other names: c.3865C>G, p.Gln1289Glu (NM_001413184.1, NM_001413185.1, NM_001413186.1 and 6 more transcripts); c.3265C>G, p.Gln1089Glu (NM_001413188.1, NM_001413193.1, NM_001413197.1); c.3859C>G, p.Gln1287Glu (NM_001413190.1); c.2440C>G, p.Gln814Glu (NM_001413196.1); short protein forms Q1287E, Q1089E, Q1289E, Q814E.
Identifiers: ClinVar variation 5007339 (VCV005007339.2).

ClinVar aggregate classification (germline): Uncertain significance (1 of 4 stars; one submission).

Conditions:
Developmental delay, impaired speech, and behavioral abnormalities, with or without seizures (DEDISB). Identifiers: MedGen C5575272, MONDO:0859263, OMIM 619964.

Submission:

Juno Genomics, Hangzhou Juno Genomics, Inc
Classification: Uncertain significance for Developmental delay, impaired speech, and behavioral abnormalities, with or without seizures. Review status: criteria provided, single submitter. Criteria: ACMG Guidelines, 2015. Collection method: clinical testing. Allele origin: germline.
Comment: Absent from controls (or at extremely low frequency if recessive) in Genome Aggregation Database.;Missense variant in a gene that has a low rate of benign missense variation.;Multiple lines of computational evidence suggest no impact on gene or gene product.